The following is an entry in ClinVar:

NM_001082971.2(DDC):c.200G>A (p.Gly67Glu)

Gene: DDC (dopa decarboxylase; minus strand). Cytogenetic location: 7p12.1.
Variant type: single nucleotide variant.
Coding change: c.200G>A on transcript NM_001082971.2 (MANE Select); coding-DNA position 200, G replaced by A.
Protein change: p.Gly67Glu; replaces glycine 67 with glutamic acid.
Molecular consequence: missense variant.
Genome position (GRCh38, 1-based): chr7:50,543,886, C>T on the plus strand (G>A on the coding strand, the complement: DDC is on the minus strand). VCF-style: chr7-50543886-C-T. GRCh37 (hg19) VCF-style: chr7-50611584-C-T.
Other names: c.200G>A, p.Gly67Glu (NM_000790.4, NM_001242886.2, NM_001242887.2 and 3 more transcripts); short protein forms G67E.
Identifiers: ClinVar variation 1512104 (VCV001512104.8), dbSNP rs147802058, ClinGen allele CA4262471.

ClinVar aggregate classification (germline): Uncertain significance (1 of 4 stars; one submission).

Conditions:
Deficiency of aromatic-L-amino-acid decarboxylase. Also called: DDC DEFICIENCY; DOPA DECARBOXYLASE DEFICIENCY; Aromatic amino acid decarboxylase deficiency; Aromatic L-Amino Acid Decarboxylase Deficiency; AADC DEFICIENCY. Identifiers: Orphanet 35708, MedGen C1291564, MONDO:0012084, OMIM 608643.

Allele frequency attached by ClinVar (database versions not stated): TOPMed below 0.00001; ExAC 0.00001; gnomAD 0.00001; gnomAD exomes 0.00001; ESP Exome Variant Server 0.00008.
gnomAD v4.1: 24 of 1,613,874 alleles (0.0015%); highest among the groups gnomAD compares: Non-Finnish European, 0.0019%; no homozygotes.

Submission:

Labcorp Genetics (formerly Invitae), Labcorp
Classification: Uncertain significance for Deficiency of aromatic-L-amino-acid decarboxylase. Last evaluated: 2021-06-22. Review status: criteria provided, single submitter. Criteria: Invitae Variant Classification Sherloc (09022015). Collection method: clinical testing. Allele origin: germline.
Comment: In summary, the available evidence is currently insufficient to determine the role of this variant in disease. Therefore, it has been classified as a Variant of Uncertain Significance. This variant is present in population databases (rs147802058, ExAC 0.001%). This variant has not been reported in the literature in individuals with DDC-related conditions. This sequence change replaces glycine with glutamic acid at codon 67 of the DDC protein (p.Gly67Glu). The glycine residue is highly conserved and there is a moderate physicochemical difference between glycine and glutamic acid. Algorithms developed to predict the effect of missense changes on protein structure and function (SIFT, PolyPhen-2, Align-GVGD) all suggest that this variant is likely to be disruptive, but these predictions have not been confirmed by published functional studies and their clinical significance is uncertain.